The following is an entry in ClinVar:

ClinVar aggregate classification (germline): Uncertain significance. Review status: criteria provided, multiple submitters, no conflicts (2 of 4 stars). 2 submissions from 2 submitters: Uncertain significance (2). Last evaluated 2024-04-25.

Allele frequency attached by ClinVar (database versions not stated): TOPMed below 0.00001; gnomAD exomes 0.00002 and 0.00003; ExAC 0.00007.

Submissions (2):

Labcorp Genetics (formerly Invitae), Labcorp
Classification: Uncertain significance. Last evaluated: 2024-04-25. Review status: criteria provided, single submitter. Criteria: Invitae Variant Classification Sherloc (09022015). Collection method: clinical testing. Allele origin: germline.
Comment: This sequence change replaces arginine, which is basic and polar, with histidine, which is basic and polar, at codon 195 of the FSCN2 protein (p.Arg195His). The frequency data for this variant in the population databases is considered unreliable, as metrics indicate poor data quality at this position in the gnomAD database. This variant has not been reported in the literature in individuals affected with FSCN2-related conditions. ClinVar contains an entry for this variant (Variation ID: 1036392). An algorithm developed to predict the effect of missense changes on protein structure and function (PolyPhen-2) suggests that this variant is likely to be disruptive. In summary, the available evidence is currently insufficient to determine the role of this variant in disease. Therefore, it has been classified as a Variant of Uncertain Significance.

Ambry Genetics
Classification: Uncertain significance. Last evaluated: 2023-02-10. Review status: criteria provided, single submitter. Criteria: Ambry Variant Classification Scheme 2023. Collection method: clinical testing. Allele origin: germline.

NM_012418.4(FSCN2):c.584G>A (p.Arg195His)

Gene: FSCN2 (fascin actin-bundling protein 2, retinal; plus strand). Cytogenetic location: 17q25.3.
Variant type: single nucleotide variant.
Coding change: c.584G>A on transcript NM_012418.4 (MANE Select); coding-DNA position 584, G replaced by A.
Protein change: p.Arg195His; replaces arginine 195 with histidine.
Molecular consequence: missense variant.
Genome position (GRCh38, 1-based): chr17:81,529,115, G>A. VCF-style: chr17-81529115-G-A. GRCh37 (hg19) VCF-style: chr17-79496141-G-A.
Other names: c.584G>A, p.Arg195His (NM_001077182.3); c.584G>A (NM_001077182.2); short protein forms R195H.
Identifiers: ClinVar variation 1036392 (VCV001036392.8), dbSNP rs782180964, ClinGen allele CA8836724.
Genomic context (GRCh38, chr17:81,529,115, plus strand): 5'-TCACCCTCATCTTCCGGAGCCGACGGTACTGCCTCAAGTCCTGTGACAGCCGCTACCTGC[G>A]CAGCGACGGCCGTCTGGTCTGGGAGCCTGAGCCCCGTGCCTGCTACACGCTGGAGTTCAA-3'
Protein context (NP_036550.1, residues 185-205): CLKSCDSRYL[Arg195His]SDGRLVWEPE